The following is an entry in ClinVar:

ClinVar aggregate classification (germline): Uncertain significance (1 of 4 stars; one submission).

gnomAD v4.1: 12 of 1,613,394 alleles (0.00074%); highest among the groups gnomAD compares: Admixed American, 0.005%; no homozygotes.

Submissions (2):

Labcorp Genetics (formerly Invitae), Labcorp
Classification: Uncertain significance. Last evaluated: 2024-03-13. Review status: criteria provided, single submitter. Criteria: Invitae Variant Classification Sherloc (09022015). Collection method: clinical testing. Allele origin: germline.
Comment: This sequence change replaces alanine, which is neutral and non-polar, with valine, which is neutral and non-polar, at codon 3983 of the HSPG2 protein (p.Ala3983Val). This variant is present in population databases (no rsID available, gnomAD 0.006%). This variant has not been reported in the literature in individuals affected with HSPG2-related conditions. An algorithm developed to predict the effect of missense changes on protein structure and function (PolyPhen-2) suggests that this variant is likely to be disruptive. In summary, the available evidence is currently insufficient to determine the role of this variant in disease. Therefore, it has been classified as a Variant of Uncertain Significance.

Dr. Peter K. Rogan Lab, Western University
No classification provided (evidence only). Condition: Uterine corpus endometrial carcinoma. Review status: no classification provided. Collection method: in vitro. Allele origin: not applicable. Functional consequence: retained intron. Not counted in ClinVar's aggregate classification.

NM_005529.7(HSPG2):c.11948C>T (p.Ala3983Val)

Gene: HSPG2 (heparan sulfate proteoglycan 2; minus strand). Cytogenetic location: 1p36.12.
Variant type: single nucleotide variant.
Coding change: c.11948C>T on transcript NM_005529.7 (MANE Select); coding-DNA position 11948, C replaced by T.
Protein change: p.Ala3983Val; replaces alanine 3983 with valine.
Molecular consequence: missense variant.
Genome position (GRCh38, 1-based): chr1:21,829,427, G>A on the plus strand (C>T on the coding strand, the complement: HSPG2 is on the minus strand). VCF-style: chr1-21829427-G-A. GRCh37 (hg19) VCF-style: chr1-22155920-G-A.
Other names: c.11951C>T, p.Ala3984Val (NM_001291860.2); short protein forms A3983V, A3984V.
Identifiers: ClinVar variation 3617509 (VCV003617509.3).
Genomic context (GRCh38, chr1:21,829,427, plus strand): 5'-GGTGCTGGGTGCTTACCTGACCCCAACTCATAGCGGAACTCCAGGTGGCCGCCCACCATC[G>A]CCAGGGACACGAAGTCCTCCACAGGCCCGCTCTTCCCCCCGCTGAACAGCAGGACCCCGT-3'
Protein context (NP_005520.4, residues 3973-3993): SGPVEDFVSL[Ala3983Val]MVGGHLEFRY